The following is an entry in ClinVar:

ClinVar aggregate classification (germline): Uncertain significance. Review status: criteria provided, multiple submitters, no conflicts (2 of 4 stars). 2 submissions from 2 submitters: Uncertain significance (2). Last evaluated 2022-09-09.

Conditions:
Hypomagnesemia. Identifiers: MedGen C0151723, MONDO:0018100, HP:0002917.

Allele frequency attached by ClinVar (database versions not stated): gnomAD 0.00001; ExAC 0.00002; gnomAD exomes 0.00002.
gnomAD v4.1: 34 of 1,613,388 alleles (0.0021%); highest among the groups gnomAD compares: East Asian, 0.0089%; no homozygotes.

Submissions (2):

Clinical Genomics Laboratory, Stanford Medicine
Classification: Uncertain significance for Hypomagnesemia. Last evaluated: 2022-09-09. Review status: criteria provided, single submitter. Criteria: ACMG Guidelines, 2015. Collection method: clinical testing. Allele origin: germline. Observed: 1 variant allele, 1 heterozygote.

Labcorp Genetics (formerly Invitae), Labcorp
Classification: Uncertain significance. Last evaluated: 2022-05-20. Review status: criteria provided, single submitter. Criteria: Invitae Variant Classification Sherloc (09022015). Collection method: clinical testing. Allele origin: germline.
Comment: This sequence change replaces arginine, which is basic and polar, with cysteine, which is neutral and slightly polar, at codon 468 of the TRPM6 protein (p.Arg468Cys). This variant is present in population databases (rs760386770, gnomAD 0.02%). This variant has not been reported in the literature in individuals affected with TRPM6-related conditions. Algorithms developed to predict the effect of missense changes on protein structure and function output the following: SIFT: "Tolerated"; PolyPhen-2: "Benign"; Align-GVGD: "Class C0". The cysteine amino acid residue is found in multiple mammalian species, which suggests that this missense change does not adversely affect protein function. In summary, the available evidence is currently insufficient to determine the role of this variant in disease. Therefore, it has been classified as a Variant of Uncertain Significance.

NM_017662.5(TRPM6):c.1402C>T (p.Arg468Cys)

Gene: TRPM6 (transient receptor potential cation channel subfamily M member 6; minus strand). Cytogenetic location: 9q21.13.
Variant type: single nucleotide variant.
Coding change: c.1402C>T on transcript NM_017662.5 (MANE Select); coding-DNA position 1402, C replaced by T.
Protein change: p.Arg468Cys; replaces arginine 468 with cysteine.
Molecular consequence: missense variant.
Genome position (GRCh38, 1-based): chr9:74,812,340, G>A on the plus strand (C>T on the coding strand, the complement: TRPM6 is on the minus strand). VCF-style: chr9-74812340-G-A. GRCh37 (hg19) VCF-style: chr9-77427256-G-A.
Other names: c.1387C>T, p.Arg463Cys (NM_001177310.2, NM_001177311.2); short protein forms R463C, R468C.
Identifiers: ClinVar variation 1916073 (VCV001916073.4), dbSNP rs760386770, ClinGen allele CA5084854.